The following is an entry in ClinVar:

ClinVar aggregate classification (germline): Likely benign. Review status: criteria provided, multiple submitters, no conflicts (2 of 4 stars). 2 submissions from 2 submitters: Likely benign (2). Last evaluated 2025-11-01.

Conditions:
Autosomal recessive spinocerebellar ataxia 12. Also called: SPINOCEREBELLAR ATAXIA WITH MENTAL RETARDATION AND EPILEPSY. Identifiers: Orphanet 284282, MedGen C3280452, MONDO:0013687, OMIM 614322.
Developmental and epileptic encephalopathy, 1 (DEE1). Also called: X-linked infantile spasms; West's syndrome; Tonic spasms with clustering, arrest of psychomotor development and hypsarrhythmia on EEG; X-Linked Infantile Spasm Syndrome; OHTAHARA SYNDROME, X-LINKED; Epileptic encephalopathy, early infantile, 1. Identifiers: MedGen C3463992, MONDO:0010632, OMIM 308350. Disease mechanism: loss of function.

Allele frequency attached by ClinVar (database versions not stated): gnomAD 0.00002; TOPMed 0.00002.
gnomAD v4.1: 12 of 1,614,112 alleles (0.00074%); highest among the groups gnomAD compares: Admixed American, 0.0033%; no homozygotes.

Submissions (2):

CeGaT Center for Human Genetics Tuebingen
Classification: Likely benign. Last evaluated: 2025-11-01. Review status: criteria provided, single submitter. Criteria: CeGaT Center For Human Genetics Tuebingen Variant Classification Criteria Version 2. Collection method: clinical testing. Allele origin: germline. Affected: yes. Observed: 1 variant allele.
Comment: WWOX: BP4, BP7

Labcorp Genetics (formerly Invitae), Labcorp
Classification: Likely benign for Developmental and epileptic encephalopathy, 1; Autosomal recessive spinocerebellar ataxia 12. Last evaluated: 2023-10-16. Review status: criteria provided, single submitter. Criteria: Invitae Variant Classification Sherloc (09022015). Collection method: clinical testing. Allele origin: germline.

NM_016373.4(WWOX):c.903C>T (p.Ile301=)

Gene: WWOX (WW domain containing oxidoreductase; plus strand). Cytogenetic location: 16q23.1.
Variant type: single nucleotide variant.
Coding change: c.903C>T on transcript NM_016373.4 (MANE Select); coding-DNA position 903, C replaced by T.
Protein change: p.Ile301=; no amino-acid change (isoleucine 301 retained).
Molecular consequence: synonymous variant.
Genome position (GRCh38, 1-based): chr16:78,432,599, C>T. VCF-style: chr16-78432599-C-T. GRCh37 (hg19) VCF-style: chr16-78466496-C-T.
Other names: c.564C>T, p.Ile188= (NM_001291997.2).
Identifiers: ClinVar variation 2189387 (VCV002189387.10), dbSNP rs758799029, ClinGen allele CA8183544.